The following is an entry in ClinVar:

ClinVar aggregate classification (germline): Benign/Likely benign. Review status: criteria provided, multiple submitters, no conflicts (2 of 4 stars). 6 submissions from 6 submitters: Benign (1); Likely benign (4). 1 of the submissions does not count toward it. Last evaluated 2025-03-16.

Conditions:
Cardiovascular phenotype. Identifiers: MedGen CN230736.
Long QT syndrome (LQTS). Identifiers: MedGen C0023976, MeSH D008133, MONDO:0002442. Disease mechanism: loss of function. Inheritance: Various modes of inheritance.
CACNA1C-related disorder. Also called: CACNA1C-related disorders; CACNA1C-related condition. Identifiers: MONDO:0700321, MedGen CN381092.

Allele frequency attached by ClinVar (database versions not stated): gnomAD exomes 0.00001 and 0.00006; gnomAD 0.00004 and 0.00003; TOPMed 0.00006; ExAC 0.00006.
gnomAD v4.1: 21 of 1,614,028 alleles (0.0013%); highest among the groups gnomAD compares: East Asian, 0.016%; no homozygotes.

Submissions (6):

Labcorp Genetics (formerly Invitae), Labcorp
Classification: Likely benign for Long QT syndrome. Last evaluated: 2025-03-16. Review status: criteria provided, single submitter. Criteria: Invitae Variant Classification Sherloc (09022015). Collection method: clinical testing. Allele origin: germline.

Blueprint Genetics
Classification: Likely benign. Last evaluated: 2024-11-13. Review status: criteria provided, single submitter. Criteria: ACMG Guidelines, 2015. Collection method: clinical testing. Allele origin: germline.

ARUP Laboratories, Molecular Genetics and Genomics, ARUP Laboratories
Classification: Likely benign. Last evaluated: 2023-11-09. Review status: criteria provided, single submitter. Criteria: ARUP Molecular Germline Variant Investigation Process 2024. Collection method: clinical testing. Allele origin: germline.

Ambry Genetics
Classification: Likely benign for Cardiovascular phenotype. Last evaluated: 2019-10-02. Review status: criteria provided, single submitter. Criteria: Ambry Variant Classification Scheme 2023. Collection method: clinical testing. Allele origin: germline.

GeneDx
Classification: Benign. Last evaluated: 2016-12-09. Review status: criteria provided, single submitter. Criteria: GeneDx Variant Classification (06012015). Collection method: clinical testing. Allele origin: germline. Affected: yes.
Comment: This variant is considered likely benign or benign based on one or more of the following criteria: it is a conservative change, it occurs at a poorly conserved position in the protein, it is predicted to be benign by multiple in silico algorithms, and/or has population frequency not consistent with disease.

PreventionGenetics, part of Exact Sciences
Classification: Likely benign for CACNA1C-related condition. Last evaluated: 2023-05-16. Review status: no assertion criteria provided. Collection method: clinical testing. Allele origin: germline. Not counted in ClinVar's aggregate classification.
Comment: This variant is classified as likely benign based on ACMG/AMP sequence variant interpretation guidelines (Richards et al. 2015 PMID: 25741868, with internal and published modifications).

NM_000719.7(CACNA1C):c.1065G>A (p.Thr355=)

Gene: CACNA1C (calcium voltage-gated channel subunit alpha1 C; plus strand). Cytogenetic location: 12p13.33.
Variant type: single nucleotide variant.
Coding change: c.1065G>A on transcript NM_000719.7 (MANE Select); coding-DNA position 1065, G replaced by A.
Protein change: p.Thr355=; no amino-acid change (threonine 355 retained).
Molecular consequence: synonymous variant.
Genome position (GRCh38, 1-based): chr12:2,493,338, G>A. VCF-style: chr12-2493338-G-A. GRCh37 (hg19) VCF-style: chr12-2602504-G-A.
Other names: c.1065G>A, p.Thr355= (NM_001129827.2, NM_001129829.2, NM_001129830.3 and 18 more transcripts); c.1056G>A, p.Thr352= (NM_001129844.2).
Identifiers: ClinVar variation 377602 (VCV000377602.19), dbSNP rs757055492, ClinGen allele CA6388597.